The following is an entry in ClinVar:

NM_007294.4(BRCA1):c.5051_5052dup (p.Thr1685fs)

Gene: BRCA1 (BRCA1 DNA repair associated; minus strand). Cytogenetic location: 17q21.31.
Variant type: Duplication.
Coding change: c.5051_5052dup on transcript NM_007294.4 (MANE Select); coding-DNA positions 5051 to 5052, 2 bases duplicated (CT; older notation c.5051_5052dupCT).
Protein change: p.Thr1685fs; shifts the reading frame from threonine 1685.
Molecular consequence: frameshift variant. On other transcripts: non-coding transcript variant (1).
Genome position (GRCh38, 1-based): chr17:43,067,630-43,067,631, AG duplicated on the plus strand (CT on the coding strand, the reverse complement: BRCA1 is on the minus strand). VCF-style (leftmost placement, unchanged base first): chr17-43067629-T-TAG. GRCh37 (hg19) VCF-style: chr17-41219646-T-TAG.
Other names: c.5048_5049dup, p.Thr1684Leufs (NM_001407858.1, NM_001407859.1, NM_001407860.1 and 17 more transcripts); c.5045_5046dup, p.Thr1683Leufs (NM_001407861.1, NM_001407627.1, NM_001407628.1 and 14 more transcripts); c.4922_4923dup, p.Thr1642Leufs (NM_001407686.1, NM_001407685.1, NM_001407687.1 and 6 more transcripts); c.5051_5052dup, p.Thr1685Leufs (NM_001407684.1, NM_001407593.1, NM_001407594.1 and 8 more transcripts); c.4850_4851dup, p.Thr1618Leufs (NM_001407862.1); c.4838_4839dup, p.Thr1614Leufs (NM_001407571.1, NM_001407894.1, NM_001407895.1 and 12 more transcripts); c.5117_5118dup, p.Thr1707Leufs (NM_001407581.1, NM_001407582.1); c.5114_5115dup, p.Thr1706Leufs (NM_001407583.1, NM_001407585.1, NM_001407587.1); and 74 more; short protein forms T1685fs, T1706fs, T1638fs, T581fs.
Identifiers: ClinVar variation 1745035 (VCV001745035.2), dbSNP rs2550221031, ClinGen allele CA2580093977.

ClinVar aggregate classification (germline): Pathogenic (1 of 4 stars; one submission).

Conditions:
Hereditary cancer-predisposing syndrome. Also called: Hereditary Cancer Syndrome; Neoplastic Syndromes, Hereditary; Tumor predisposition; Hereditary neoplastic syndrome. Identifiers: Orphanet 140162, MedGen C0027672, MeSH D009386, MONDO:0015356.

Submission:

Ambry Genetics
Classification: Pathogenic for Hereditary cancer-predisposing syndrome. Last evaluated: 2020-12-18. Review status: criteria provided, single submitter. Criteria: Ambry Variant Classification Scheme 2023. Collection method: clinical testing. Allele origin: germline.
Comment: The c.5051_5052dupCT pathogenic mutation, located in coding exon 15 of the BRCA1 gene, results from a duplication of CT at nucleotide position 5051, causing a translational frameshift with a predicted alternate stop codon (p.T1685Lfs*6). This alteration is expected to result in loss of function by premature protein truncation or nonsense-mediated mRNA decay. As such, this alteration is interpreted as a disease-causing mutation.